The following is an entry in ClinVar:

ClinVar aggregate classification (germline): Uncertain significance (1 of 4 stars; one submission).

Conditions:
Hereditary cancer-predisposing syndrome. Also called: Neoplastic Syndromes, Hereditary; Tumor predisposition; Hereditary neoplastic syndrome; Hereditary Cancer Syndrome. Identifiers: Orphanet 140162, MedGen C0027672, MeSH D009386, MONDO:0015356.

Submission:

Ambry Genetics
Classification: Uncertain significance for Hereditary cancer-predisposing syndrome. Last evaluated: 2026-07-06. Review status: criteria provided, single submitter. Criteria: Ambry Variant Classification Scheme 2023. Collection method: clinical testing. Allele origin: germline.
Comment: The p.M121I variant (also known as c.363G>A), located in coding exon 3 of the FH gene, results from a G to A substitution at nucleotide position 363. The methionine at codon 121 is replaced by isoleucine, an amino acid with highly similar properties. This amino acid position is conserved. In addition, the in silico prediction for this alteration is inconclusive. Based on the available evidence, the clinical significance of this variant remains unclear.

NM_000143.4(FH):c.363G>A (p.Met121Ile)

Gene: FH (fumarate hydratase; minus strand). Cytogenetic location: 1q43.
Variant type: single nucleotide variant.
Coding change: c.363G>A on transcript NM_000143.4 (MANE Select); coding-DNA position 363, G replaced by A.
Protein change: p.Met121Ile; replaces methionine 121 with isoleucine.
Molecular consequence: missense variant.
Genome position (GRCh38, 1-based): chr1:241,513,618, C>T on the plus strand (G>A on the coding strand, the complement: FH is on the minus strand). VCF-style: chr1-241513618-C-T. GRCh37 (hg19) VCF-style: chr1-241676918-C-T.
Other names: short protein forms M121I.
Identifiers: ClinVar variation 5021687 (VCV005021687.1).